The following is an entry in ClinVar:

NM_000159.4(GCDH):c.627C>T (p.Thr209=)

Gene: GCDH (glutaryl-CoA dehydrogenase; plus strand). Cytogenetic location: 19p13.13.
Variant type: single nucleotide variant.
Coding change: c.627C>T on transcript NM_000159.4 (MANE Select); coding-DNA position 627, C replaced by T.
Protein change: p.Thr209=; no amino-acid change (threonine 209 retained).
Molecular consequence: synonymous variant. On other transcripts: non-coding transcript variant (2).
Genome position (GRCh38, 1-based): chr19:12,896,113, C>T. VCF-style: chr19-12896113-C-T. GRCh37 (hg19) VCF-style: chr19-13006927-C-T.
Other names: c.627C>T (NM_000159.2); c.627C>T, p.Thr209= (NM_013976.5).
Identifiers: ClinVar variation 702771 (VCV000702771.53), dbSNP rs143172809, ClinGen allele CA9234443.

ClinVar aggregate classification (germline): Conflicting classifications of pathogenicity. Review status: criteria provided, conflicting classifications (1 of 4 stars). 6 submissions from 6 submitters: Uncertain significance (1); Likely benign (4). 1 of the submissions does not count toward it. Last evaluated 2026-01-31.

Conditions:
Inborn genetic diseases. Identifiers: MedGen C0950123, MeSH D030342.
Glutaric aciduria, type 1. Also called: Glutaryl-CoA dehydrogenase deficiency; Glutaricacidemia Type 1; Glutaric acidemia type I; Glutaricaciduria, type I; Glutaric Acidemia Type 1; GA I. Identifiers: Orphanet 25, MedGen C0268595, MONDO:0009281, OMIM 231670.

Allele frequency attached by ClinVar (database versions not stated): ExAC 0.00015; gnomAD 0.00015 and 0.00016; ESP Exome Variant Server 0.00023; TOPMed 0.00011.
gnomAD v4.1: 188 of 1,613,952 alleles (0.012%); highest among the groups gnomAD compares: Non-Finnish European, 0.009%; no homozygotes.

Submissions (6):

Labcorp Genetics (formerly Invitae), Labcorp
Classification: Likely benign for Glutaric aciduria, type 1. Last evaluated: 2026-01-31. Review status: criteria provided, single submitter. Criteria: Invitae Variant Classification Sherloc (09022015). Collection method: clinical testing. Allele origin: germline.

CeGaT Center for Human Genetics Tuebingen
Classification: Likely benign. Last evaluated: 2024-12-01. Review status: criteria provided, single submitter. Criteria: CeGaT Center For Human Genetics Tuebingen Variant Classification Criteria Version 2. Collection method: clinical testing. Allele origin: germline. Affected: yes. Observed: 3 variant alleles.
Comment: GCDH: BP4, BP7

Blueprint Genetics
Classification: Likely benign. Last evaluated: 2024-11-14. Review status: criteria provided, single submitter. Criteria: ACMG Guidelines, 2015. Collection method: clinical testing. Allele origin: germline.

Ambry Genetics
Classification: Likely benign for Inborn genetic diseases. Last evaluated: 2019-10-23. Review status: criteria provided, single submitter. Criteria: Ambry Variant Classification Scheme 2023. Collection method: clinical testing. Allele origin: germline.

Illumina Laboratory Services, Illumina
Classification: Uncertain significance for Glutaric aciduria, type 1. Last evaluated: 2018-01-13. Review status: criteria provided, single submitter. Criteria: ICSL Variant Classification Criteria 13 December 2019. Collection method: clinical testing. Allele origin: germline.

Natera, Inc.
Classification: Uncertain significance for Glutaric acidemia type 1. Last evaluated: 2020-01-24. Review status: no assertion criteria provided. Collection method: clinical testing. Allele origin: germline. Not counted in ClinVar's aggregate classification.